The following is an entry in ClinVar:

NM_017654.4(SAMD9):c.4459A>G (p.Lys1487Glu)

Gene: SAMD9 (sterile alpha motif domain containing 9; minus strand). Cytogenetic location: 7q21.2.
Variant type: single nucleotide variant.
Coding change: c.4459A>G on transcript NM_017654.4 (MANE Select); coding-DNA position 4459, A replaced by G.
Protein change: p.Lys1487Glu; replaces lysine 1487 with glutamic acid.
Molecular consequence: missense variant.
Genome position (GRCh38, 1-based): chr7:93,101,639, T>C on the plus strand (A>G on the coding strand, the complement: SAMD9 is on the minus strand). VCF-style: chr7-93101639-T-C. GRCh37 (hg19) VCF-style: chr7-92730952-T-C.
Other names: c.4459A>G, p.Lys1487Glu (NM_001193307.2); short protein forms K1487E.
Identifiers: ClinVar variation 3361554 (VCV003361554.2).

ClinVar aggregate classification (germline): Uncertain significance. Review status: criteria provided, multiple submitters, no conflicts (2 of 4 stars). 2 submissions from 2 submitters: Uncertain significance (2). Last evaluated 2025-05-28.

Conditions:
Inborn genetic diseases. Identifiers: MedGen C0950123, MeSH D030342.

Submissions (2):

Ambry Genetics
Classification: Uncertain significance for Inborn genetic diseases. Last evaluated: 2025-05-28. Review status: criteria provided, single submitter. Criteria: Ambry Variant Classification Scheme 2023. Collection method: clinical testing. Allele origin: germline.
Comment: The p.K1487E variant (also known as c.4459A>G), located in coding exon 1 of the SAMD9 gene, results from an A to G substitution at nucleotide position 4459. The lysine at codon 1487 is replaced by glutamic acid, an amino acid with similar properties. This amino acid position is conserved. In addition, this alteration is predicted to be tolerated by in silico analysis. Based on the available evidence, the clinical significance of this variant remains unclear.

GeneDx
Classification: Uncertain significance. Last evaluated: 2023-07-23. Review status: criteria provided, single submitter. Criteria: GeneDx Variant Classification Process June 2021. Collection method: clinical testing. Allele origin: germline. Affected: yes.
Comment: Not observed at significant frequency in large population cohorts (gnomAD); In silico analysis supports that this missense variant does not alter protein structure/function; Has not been previously published as pathogenic or benign to our knowledge